The following is an entry in ClinVar:

ClinVar aggregate classification (germline): Uncertain significance (1 of 4 stars; one submission).

Conditions:
Familial hemophagocytic lymphohistiocytosis 2 (FHL2). Also called: PRF1-Related Familial Hemophagocytic Lymphohistiocytosis (PRF1-fHLH). Identifiers: Orphanet 540, MedGen C1863727, MONDO:0011337, OMIM 603553.

gnomAD v4.1: 3 of 1,614,166 alleles (0.00019%); highest among the groups gnomAD compares: South Asian, 0.0011%; no homozygotes.

Submission:

Labcorp Genetics (formerly Invitae), Labcorp
Classification: Uncertain significance for Familial hemophagocytic lymphohistiocytosis 2. Last evaluated: 2021-12-13. Review status: criteria provided, single submitter. Criteria: Invitae Variant Classification Sherloc (09022015). Collection method: clinical testing. Allele origin: germline.
Comment: This sequence change replaces aspartic acid, which is acidic and polar, with glutamic acid, which is acidic and polar, at codon 134 of the PRF1 protein (p.Asp134Glu). In summary, the available evidence is currently insufficient to determine the role of this variant in disease. Therefore, it has been classified as a Variant of Uncertain Significance. Algorithms developed to predict the effect of missense changes on protein structure and function output the following: SIFT: "Tolerated"; PolyPhen-2: "Benign"; Align-GVGD: "Class C0". The glutamic acid amino acid residue is found in multiple mammalian species, which suggests that this missense change does not adversely affect protein function. This variant has not been reported in the literature in individuals affected with PRF1-related conditions. This variant is present in population databases (rs564234285, gnomAD 0.003%).

NM_001083116.3(PRF1):c.402C>A (p.Asp134Glu)

Gene: PRF1 (perforin 1; minus strand). Cytogenetic location: 10q22.1.
Variant type: single nucleotide variant.
Coding change: c.402C>A on transcript NM_001083116.3 (MANE Select); coding-DNA position 402, C replaced by A.
Protein change: p.Asp134Glu; replaces aspartic acid 134 with glutamic acid.
Molecular consequence: missense variant.
Genome position (GRCh38, 1-based): chr10:70,600,501, G>T on the plus strand (C>A on the coding strand, the complement: PRF1 is on the minus strand). VCF-style: chr10-70600501-G-T. GRCh37 (hg19) VCF-style: chr10-72360257-G-T.
Other names: c.402C>A, p.Asp134Glu (NM_005041.6); short protein forms D134E.
Identifiers: ClinVar variation 2041896 (VCV002041896.4), dbSNP rs564234285, ClinGen allele CA5539045.
Genomic context (GRCh38, chr10:70,600,501, plus strand): 5'-TGCCTGTGAGTGTGAGCCGGCCACAGACACATGCACATTGCTGGTGGGCTTAGGAGTCAC[G>T]TCCAGCCCGACCTTCCAGTCGTTGCGGATGCTACGAGCCGCATCCCGGGCCACAGCTTCA-3'
Protein context (NP_001076585.1, residues 124-144): SIRNDWKVGL[Asp134Glu]VTPKPTSNVH